The following is an entry in ClinVar:

ClinVar aggregate classification (germline): Uncertain significance. Review status: criteria provided, multiple submitters, no conflicts (2 of 4 stars). 5 submissions from 5 submitters: Uncertain significance (4). 1 of the submissions does not count toward it. Last evaluated 2024-11-28.

Conditions:
Inborn genetic diseases. Identifiers: MedGen C0950123, MeSH D030342.
Fanconi anemia (FA). Also called: Fanconi's anemia. Identifiers: Orphanet 84, MedGen C0015625, MeSH D005199, MONDO:0019391.
Fanconi anemia complementation group G. Also called: Fanconi anemia group G; FANCG-Related Fanconi Anemia. Identifiers: Orphanet 84, MedGen C3469527, MONDO:0013565, OMIM 614082.

Allele frequency attached by ClinVar (database versions not stated): ExAC 0.00001; gnomAD 0.00001; TOPMed 0.00001; gnomAD exomes 0.00002.

Submissions (5):

Ambry Genetics
Classification: Uncertain significance for Inborn genetic diseases. Last evaluated: 2024-11-28. Review status: criteria provided, single submitter. Criteria: Ambry Variant Classification Scheme 2023. Collection method: clinical testing. Allele origin: germline.
Comment: The p.R605H variant (also known as c.1814G>A), located in coding exon 14 of the FANCG gene, results from a G to A substitution at nucleotide position 1814. The arginine at codon 605 is replaced by histidine, an amino acid with highly similar properties. This amino acid position is conserved. In addition, this alteration is predicted to be tolerated by in silico analysis. Based on the available evidence, the clinical significance of this variant remains unclear.

Fulgent Genetics
Classification: Uncertain significance for Fanconi anemia complementation group G. Last evaluated: 2023-12-27. Review status: criteria provided, single submitter. Criteria: ACMG Guidelines, 2015. Collection method: clinical testing. Allele origin: germline.

Blueprint Genetics
Classification: Uncertain significance. Last evaluated: 2021-10-12. Review status: criteria provided, single submitter. Criteria: ACMG Guidelines, 2015. Collection method: clinical testing. Allele origin: germline.

Labcorp Genetics (formerly Invitae), Labcorp
Classification: Uncertain significance for Fanconi anemia. Last evaluated: 2021-08-27. Review status: criteria provided, single submitter. Criteria: Invitae Variant Classification Sherloc (09022015). Collection method: clinical testing. Allele origin: germline.
Comment: This sequence change replaces arginine with histidine at codon 605 of the FANCG protein (p.Arg605His). The arginine residue is weakly conserved and there is a small physicochemical difference between arginine and histidine. This variant is present in population databases (rs751710424, ExAC 0.001%). This variant has not been reported in the literature in individuals affected with FANCG-related conditions. Algorithms developed to predict the effect of missense changes on protein structure and function output the following: SIFT: "Tolerated"; PolyPhen-2: "Benign"; Align-GVGD: "Class C0". The histidine amino acid residue is found in multiple mammalian species, which suggests that this missense change does not adversely affect protein function. In summary, the available evidence is currently insufficient to determine the role of this variant in disease. Therefore, it has been classified as a Variant of Uncertain Significance.

Natera, Inc.
Classification: Uncertain significance for Fanconi anemia group G. Last evaluated: 2019-10-28. Review status: no assertion criteria provided. Collection method: clinical testing. Allele origin: germline. Not counted in ClinVar's aggregate classification.

NM_004629.2(FANCG):c.1814G>A (p.Arg605His)

Gene: FANCG (FA complementation group G; minus strand). Cytogenetic location: 9p13.3.
Variant type: single nucleotide variant.
Coding change: c.1814G>A on transcript NM_004629.2 (MANE Select); coding-DNA position 1814, G replaced by A.
Protein change: p.Arg605His; replaces arginine 605 with histidine.
Molecular consequence: missense variant.
Genome position (GRCh38, 1-based): chr9:35,074,163, C>T on the plus strand (G>A on the coding strand, the complement: FANCG is on the minus strand). VCF-style: chr9-35074163-C-T. GRCh37 (hg19) VCF-style: chr9-35074160-C-T.
Other names: short protein forms R605H.
Identifiers: ClinVar variation 571312 (VCV000571312.11), dbSNP rs751710424, ClinGen allele CA5039611.